The following is an entry in ClinVar:

ClinVar aggregate classification (germline): Uncertain significance (1 of 4 stars; one submission).

Conditions:
Perlman syndrome (PRLMNS). Identifiers: Orphanet 2849, MedGen C0796113, MONDO:0009965, OMIM 267000.

Submission:

Labcorp Genetics (formerly Invitae), Labcorp
Classification: Uncertain significance for Perlman syndrome. Last evaluated: 2019-06-05. Review status: criteria provided, single submitter. Criteria: Invitae Variant Classification Sherloc (09022015). Collection method: clinical testing. Allele origin: germline.
Comment: Algorithms developed to predict the effect of missense changes on protein structure and function output the following: SIFT: "Tolerated"; PolyPhen-2: "Benign"; Align-GVGD: "Class C0". The histidine amino acid residue is found in multiple mammalian species, suggesting that this missense change does not adversely affect protein function. These predictions have not been confirmed by published functional studies and their clinical significance is uncertain. This variant has not been reported in the literature in individuals with DIS3L2-related conditions. This variant is not present in population databases (ExAC no frequency). This sequence change replaces glutamine with histidine at codon 183 of the DIS3L2 protein (p.Gln183His). The glutamine residue is weakly conserved and there is a small physicochemical difference between glutamine and histidine. In summary, the available evidence is currently insufficient to determine the role of this variant in disease. Therefore, it has been classified as a Variant of Uncertain Significance.

NM_152383.5(DIS3L2):c.549A>C (p.Gln183His)

Gene: DIS3L2 (DIS3 like 3'-5' exoribonuclease 2; plus strand). Cytogenetic location: 2q37.1.
Variant type: single nucleotide variant.
Coding change: c.549A>C on transcript NM_152383.5 (MANE Select); coding-DNA position 549, A replaced by C.
Protein change: p.Gln183His; replaces glutamine 183 with histidine.
Molecular consequence: missense variant. On other transcripts: non-coding transcript variant (2).
Genome position (GRCh38, 1-based): chr2:232,087,669, A>C. VCF-style: chr2-232087669-A-C. GRCh37 (hg19) VCF-style: chr2-232952379-A-C.
Other names: c.549A>C, p.Gln183His (NM_001257281.2, NM_001257282.2); short protein forms Q183H.
Identifiers: ClinVar variation 937194 (VCV000937194.9), dbSNP rs1574864879, ClinGen allele CA351155226.
Genomic context (GRCh38, chr2:232,087,669, plus strand): 5'-TGTCATTGTAGAGGCTCAGTTTGATGGCAGCGACTCAGAAGATGGACATGGCATCACACA[A>C]AATGTGCTGGTTGATGGTGTTAAGAAACTCTCAGTTTGTGTTTCTGAGAAAGGTGAGTAC-3'
Protein context (NP_689596.4, residues 173-193): SDSEDGHGIT[Gln183His]NVLVDGVKKL